The following is an entry in ClinVar:

ClinVar aggregate classification (germline): Benign/Likely benign. Review status: criteria provided, multiple submitters, no conflicts (2 of 4 stars). 8 submissions from 8 submitters: Benign (4); Likely benign (2). 2 of the submissions do not count toward it. Last evaluated 2026-02-04.

Conditions:
Jeune thoracic dystrophy. Also called: Infantile thoracic dystrophy; Thoracic pelvic phalangeal dystrophy; Jeune's syndrome; Chondroectodermal dysplasia-like syndrome; Short-rib thoracic dysplasia; Jeune syndrome. Identifiers: Orphanet 474, MedGen C0265275, MONDO:0018770.
Asphyxiating thoracic dystrophy 3. Also called: SHORT-RIB THORACIC DYSPLASIA 3 WITH OR WITHOUT POLYDACTYLY; POLYDACTYLY WITH NEONATAL CHONDRODYSTROPHY, TYPE I; SHORT-RIB THORACIC DYSPLASIA 3/6 WITH POLYDACTYLY, DIGENIC; Short rib polydactyly syndrome 2B; Saldino-Noonan Syndrome. Identifiers: Orphanet 474, Orphanet 93269, Orphanet 93270, Orphanet 93271, MedGen C0036069, MONDO:0013127, OMIM 613091.

Allele frequency attached by ClinVar (database versions not stated): 1000 Genomes Project 30x 0.01374; 1000 Genomes Project 0.01498; TOPMed 0.01581; ESP Exome Variant Server 0.01763; gnomAD 0.01790 and 0.01848; gnomAD exomes 0.02326 and 0.02359; ExAC 0.02685.
gnomAD v4.1: 35,159 of 1,525,302 alleles (2.3%); highest among the groups gnomAD compares: South Asian, 4.6%; 535 homozygotes.

Submissions (8):

Labcorp Genetics (formerly Invitae), Labcorp
Classification: Benign for Jeune thoracic dystrophy. Last evaluated: 2026-02-04. Review status: criteria provided, single submitter. Criteria: Invitae Variant Classification Sherloc (09022015). Collection method: clinical testing. Allele origin: germline.

ARUP Laboratories, Molecular Genetics and Genomics, ARUP Laboratories
Classification: Benign for Asphyxiating thoracic dystrophy 3. Last evaluated: 2025-05-02. Review status: criteria provided, single submitter. Criteria: ARUP Molecular Germline Variant Investigation Process 2024. Collection method: clinical testing. Allele origin: germline.

Blueprint Genetics
Classification: Likely benign. Last evaluated: 2024-11-27. Review status: criteria provided, single submitter. Criteria: ACMG Guidelines, 2015. Collection method: clinical testing. Allele origin: germline.

Illumina Laboratory Services, Illumina
Classification: Benign for Asphyxiating thoracic dystrophy 3. Last evaluated: 2018-01-13. Review status: criteria provided, single submitter. Criteria: ICSL Variant Classification Criteria 13 December 2019. Collection method: clinical testing. Allele origin: germline.
Comment: This variant was observed in the ICSL laboratory as part of a predisposition screen in an ostensibly healthy population. It had not been previously curated by ICSL or reported in the Human Gene Mutation Database (HGMD: prior to June 1st, 2018), and was therefore a candidate for classification through an automated scoring system. Utilizing variant allele frequency, disease prevalence and penetrance estimates, and inheritance mode, an automated score was calculated to assess if this variant is too frequent to cause the disease. Based on the score and internal cut-off values, a variant classified as benign is not then subjected to further curation. The score for this variant resulted in a classification of benign for this disease.

GeneDx
Classification: Benign. Last evaluated: 2016-09-20. Review status: criteria provided, single submitter. Criteria: GeneDx Variant Classification (06012015). Collection method: clinical testing. Allele origin: germline. Affected: yes.
Comment: This variant is considered likely benign or benign based on one or more of the following criteria: it is a conservative change, it occurs at a poorly conserved position in the protein, it is predicted to be benign by multiple in silico algorithms, and/or has population frequency not consistent with disease.

Breakthrough Genomics
Classification: Likely benign. Review status: criteria provided, single submitter. Criteria: ACMG Guidelines, 2015. Collection method: not provided. Allele origin: germline. Inheritance: Autosomal recessive inheritance. Affected: yes.

Clinical Genetics DNA and cytogenetics Diagnostics Lab, Erasmus MC, Erasmus Medical Center
Classification: Benign. Review status: no assertion criteria provided. Collection method: clinical testing. Allele origin: germline. Affected: yes. Study: VKGL Data-share Consensus. Not counted in ClinVar's aggregate classification.

Genome Diagnostics Laboratory, University Medical Center Utrecht
Classification: Benign. Review status: no assertion criteria provided. Collection method: clinical testing. Allele origin: germline. Affected: yes. Study: VKGL Data-share Consensus. Not counted in ClinVar's aggregate classification.

NM_001377.3(DYNC2H1):c.2818+13T>C

Gene: DYNC2H1 (dynein cytoplasmic 2 heavy chain 1; plus strand). Cytogenetic location: 11q22.3.
Variant type: single nucleotide variant.
Coding change: c.2818+13T>C on transcript NM_001377.3 (MANE Select); 13 bases into the intron after coding-DNA position 2818, T replaced by C.
Molecular consequence: intron variant.
Genome position (GRCh38, 1-based): chr11:103,147,900, T>C. VCF-style: chr11-103147900-T-C. GRCh37 (hg19) VCF-style: chr11-103018629-T-C.
Other names: c.2818+13T>C (NM_001080463.2).
Identifiers: ClinVar variation 302022 (VCV000302022.29), dbSNP rs150786504, ClinGen allele CA6253173.